The following is an entry in ClinVar:

NM_001621.5(AHR):c.1948A>G (p.Met650Val)

Gene: AHR (aryl hydrocarbon receptor; plus strand). Cytogenetic location: 7p21.1.
Variant type: single nucleotide variant.
Coding change: c.1948A>G on transcript NM_001621.5 (MANE Select); coding-DNA position 1948, A replaced by G.
Protein change: p.Met650Val; replaces methionine 650 with valine.
Molecular consequence: missense variant.
Genome position (GRCh38, 1-based): chr7:17,339,773, A>G. VCF-style: chr7-17339773-A-G. GRCh37 (hg19) VCF-style: chr7-17379397-A-G.
Other names: c.1948A>G (NM_001621.4); short protein forms M650V.
Identifiers: ClinVar variation 1948631 (VCV001948631.5), dbSNP rs757525465, ClinGen allele CA4172208.

ClinVar aggregate classification (germline): Uncertain significance. Review status: criteria provided, multiple submitters, no conflicts (2 of 4 stars). 3 submissions from 3 submitters: Uncertain significance (2). 1 of the submissions does not count toward it. Last evaluated 2023-08-04.

Conditions:
Retinal dystrophy. Also called: Inherited retinal dystrophy. Identifiers: Orphanet 71862, MedGen C0854723, MeSH D058499, MONDO:0019118, HP:0000556.

Allele frequency attached by ClinVar (database versions not stated): gnomAD 0.00001; ExAC 0.00002.
gnomAD v4.1: 5 of 1,614,110 alleles (0.00031%); highest among the groups gnomAD compares: Non-Finnish European, 0.00042%; no homozygotes.

Submissions (3):

Ambry Genetics
Classification: Uncertain significance. Last evaluated: 2023-08-04. Review status: criteria provided, single submitter. Criteria: Ambry Variant Classification Scheme 2023. Collection method: clinical testing. Allele origin: germline.

Labcorp Genetics (formerly Invitae), Labcorp
Classification: Uncertain significance. Last evaluated: 2022-08-13. Review status: criteria provided, single submitter. Criteria: Invitae Variant Classification Sherloc (09022015). Collection method: clinical testing. Allele origin: germline.
Comment: This sequence change replaces methionine, which is neutral and non-polar, with valine, which is neutral and non-polar, at codon 650 of the AHR protein (p.Met650Val). This variant is present in population databases (rs757525465, gnomAD 0.002%). This variant has not been reported in the literature in individuals affected with AHR-related conditions. Algorithms developed to predict the effect of missense changes on protein structure and function output the following: SIFT: "Tolerated"; PolyPhen-2: "Benign"; Align-GVGD: "Class C0". The valine amino acid residue is found in multiple mammalian species, which suggests that this missense change does not adversely affect protein function. In summary, the available evidence is currently insufficient to determine the role of this variant in disease. Therefore, it has been classified as a Variant of Uncertain Significance.

Institute of Human Genetics, Univ. Regensburg, Univ. Regensburg
Classification: Uncertain significance for Retinal dystrophy. Last evaluated: 2023-01-01. Review status: no assertion criteria provided. Criteria: ACMG Guidelines, 2015. Collection method: clinical testing. Allele origin: germline. Affected: yes. Not counted in ClinVar's aggregate classification.